The following is an entry in ClinVar:

NM_033004.4(NLRP1):c.3226G>C (p.Asp1076His)

Gene: NLRP1 (NLR family pyrin domain containing 1; minus strand). Cytogenetic location: 17p13.2.
Variant type: single nucleotide variant.
Coding change: c.3226G>C on transcript NM_033004.4 (MANE Select); coding-DNA position 3226, G replaced by C.
Protein change: p.Asp1076His; replaces aspartic acid 1076 with histidine.
Molecular consequence: missense variant.
Genome position (GRCh38, 1-based): chr17:5,532,892, C>G on the plus strand (G>C on the coding strand, the complement: NLRP1 is on the minus strand). VCF-style: chr17-5532892-C-G. GRCh37 (hg19) VCF-style: chr17-5436212-C-G.
Other names: c.3238G>C, p.Asp1080His (NM_001033053.3); c.3226G>C, p.Asp1076His (NM_014922.5); c.3136G>C, p.Asp1046His (NM_033006.4, NM_033007.4); short protein forms D1076H, D1080H, D1046H.
Identifiers: ClinVar variation 4726350 (VCV004726350.1).

ClinVar aggregate classification (germline): Uncertain significance (1 of 4 stars; one submission).

gnomAD v4.1: 3 of 1,613,928 alleles (0.00019%); highest among the groups gnomAD compares: Non-Finnish European, 0.00025%; no homozygotes.

Submission:

Labcorp Genetics (formerly Invitae), Labcorp
Classification: Uncertain significance. Last evaluated: 2025-09-05. Review status: criteria provided, single submitter. Criteria: Invitae Variant Classification Sherloc (09022015). Collection method: clinical testing. Allele origin: germline.
Comment: This sequence change replaces aspartic acid, which is acidic and polar, with histidine, which is basic and polar, at codon 1076 of the NLRP1 protein (p.Asp1076His). This variant is not present in population databases (gnomAD no frequency). This variant has not been reported in the literature in individuals affected with NLRP1-related conditions. An algorithm developed to predict the effect of missense changes on protein structure and function (PolyPhen-2) suggests that this variant is likely to be disruptive. In summary, the available evidence is currently insufficient to determine the role of this variant in disease. Therefore, it has been classified as a Variant of Uncertain Significance.